The following is an entry in ClinVar:

ClinVar aggregate classification (germline): Conflicting classifications of pathogenicity. Review status: criteria provided, conflicting classifications (1 of 4 stars). 3 submissions from 3 submitters: Uncertain significance (2); Likely benign (1). Last evaluated 2024-11-25.

Conditions:
RASopathy. Also called: rasopathies; Noonan spectrum disorder. Identifiers: Orphanet 536391, MedGen C5555857, MONDO:0021060.
Cardiovascular phenotype. Identifiers: MedGen CN230736.

Allele frequency attached by ClinVar (database versions not stated): gnomAD 0.00001; gnomAD exomes 0.00002; TOPMed 0.00001; ExAC 0.00004.
gnomAD v4.1: 29 of 1,596,976 alleles (0.0018%); highest among the groups gnomAD compares: South Asian, 0.009%; no homozygotes.

Submissions (3):

Women's Health and Genetics/Laboratory Corporation of America, LabCorp
Classification: Uncertain significance. Last evaluated: 2024-11-25. Review status: criteria provided, single submitter. Criteria: LabCorp Variant Classification Summary - May 2015. Collection method: clinical testing. Allele origin: germline.
Comment: Variant summary: SOS1 c.17T>C (p.Leu6Pro) results in a non-conservative amino acid change in the encoded protein sequence. Two of four in-silico tools predict a benign effect of the variant on protein function. The variant allele was found at a frequency of 1.8e-05 in 223436 control chromosomes. The available data on variant occurrences in the general population are insufficient to allow any conclusion about variant significance. To our knowledge, no occurrence of c.17T>C in individuals affected with Noonan Syndrome And Related Conditions and no experimental evidence demonstrating its impact on protein function have been reported. ClinVar contains an entry for this variant (Variation ID: 2070673). Based on the evidence outlined above, the variant was classified as uncertain significance.

Labcorp Genetics (formerly Invitae), Labcorp
Classification: Likely benign for RASopathy. Last evaluated: 2024-11-11. Review status: criteria provided, single submitter. Criteria: Invitae Variant Classification Sherloc (09022015). Collection method: clinical testing. Allele origin: germline.

Ambry Genetics
Classification: Uncertain significance for Cardiovascular phenotype. Last evaluated: 2023-06-03. Review status: criteria provided, single submitter. Criteria: Ambry Variant Classification Scheme 2023. Collection method: clinical testing. Allele origin: germline.
Comment: The p.L6P variant (also known as c.17T>C), located in coding exon 1 of the SOS1 gene, results from a T to C substitution at nucleotide position 17. The leucine at codon 6 is replaced by proline, an amino acid with similar properties. This amino acid position is conserved. In addition, the in silico prediction for this alteration is inconclusive. Since supporting evidence is limited at this time, the clinical significance of this alteration remains unclear.

NM_005633.4(SOS1):c.17T>C (p.Leu6Pro)

Genes: SOS1 (SOS Ras/Rac guanine nucleotide exchange factor 1; minus strand), LOC129933535 (ATAC-STARR-seq lymphoblastoid silent region 11384; plus strand). Cytogenetic location: 2p22.1.
Variant type: single nucleotide variant.
Coding change: c.17T>C on transcript NM_005633.4 (MANE Select); coding-DNA position 17, T replaced by C.
Protein change: p.Leu6Pro; replaces leucine 6 with proline.
Molecular consequence: missense variant. On other transcripts: intron variant (1).
Genome position (GRCh38, 1-based): chr2:39,120,406, A>G on the plus strand (T>C on the coding strand, the complement: SOS1 is on the minus strand). VCF-style: chr2-39120406-A-G. GRCh37 (hg19) VCF-style: chr2-39347547-A-G.
Other names: c.17T>C, p.Leu6Pro (NM_001382395.1); c.66+4258T>C (NM_001382394.1); short protein forms L6P.
Identifiers: ClinVar variation 2070673 (VCV002070673.7), dbSNP rs749077460, ClinGen allele CA1624903.